The following is an entry in ClinVar:

ClinVar aggregate classification (germline): Uncertain significance (1 of 4 stars; one submission).

Allele frequency attached by ClinVar (database versions not stated): TOPMed below 0.00001; ExAC 0.00002; gnomAD 0.00001.
gnomAD v4.1: 5 of 1,587,776 alleles (0.00031%); highest among the groups gnomAD compares: Admixed American, 0.0018%; no homozygotes.

Submission:

Labcorp Genetics (formerly Invitae), Labcorp
Classification: Uncertain significance. Last evaluated: 2024-11-26. Review status: criteria provided, single submitter. Criteria: Invitae Variant Classification Sherloc (09022015). Collection method: clinical testing. Allele origin: germline.
Comment: This sequence change replaces proline, which is neutral and non-polar, with leucine, which is neutral and non-polar, at codon 277 of the GATA5 protein (p.Pro277Leu). The frequency data for this variant in the population databases is considered unreliable, as metrics indicate poor data quality at this position in the gnomAD database. This missense change has been observed in individual(s) with tetralogy of Fallot (PMID: 34904678). ClinVar contains an entry for this variant (Variation ID: 2079410). Invitae Evidence Modeling of protein sequence and biophysical properties (such as structural, functional, and spatial information, amino acid conservation, physicochemical variation, residue mobility, and thermodynamic stability) indicates that this missense variant is expected to disrupt GATA5 protein function with a positive predictive value of 80%. Experimental studies have shown that this missense change affects GATA5 function (PMID: 34904678). In summary, the available evidence is currently insufficient to determine the role of this variant in disease. Therefore, it has been classified as a Variant of Uncertain Significance.

Literature cited by the submitters: PubMed 34904678.

NM_080473.5(GATA5):c.830C>T (p.Pro277Leu)

Gene: GATA5 (GATA binding protein 5; minus strand). Cytogenetic location: 20q13.33.
Variant type: single nucleotide variant.
Coding change: c.830C>T on transcript NM_080473.5 (MANE Select); coding-DNA position 830, C replaced by T.
Protein change: p.Pro277Leu; replaces proline 277 with leucine.
Molecular consequence: missense variant.
Genome position (GRCh38, 1-based): chr20:62,465,917, G>A on the plus strand (C>T on the coding strand, the complement: GATA5 is on the minus strand). VCF-style: chr20-62465917-G-A. GRCh37 (hg19) VCF-style: chr20-61040973-G-A.
Other names: short protein forms P277L.
Identifiers: ClinVar variation 2079410 (VCV002079410.4), dbSNP rs782065313, ClinGen allele CA9946153.